The following is an entry in ClinVar:

ClinVar aggregate classification (germline): Conflicting classifications of pathogenicity. Review status: criteria provided, conflicting classifications (1 of 4 stars). 5 submissions from 5 submitters: Uncertain significance (3); Likely benign (2). Last evaluated 2026-01-01.

Conditions:
Inflammatory skin and bowel disease, neonatal, 2 (NNCIS). Identifiers: Orphanet 294023, MedGen C4015130, MONDO:0014481, OMIM 616069.
Lung cancer. Also called: Lung cancer, somatic; Malignant tumor of lung. Identifiers: MedGen C0242379, MONDO:0008903, OMIM 211980.
Hereditary cancer-predisposing syndrome. Also called: Neoplastic Syndromes, Hereditary; Tumor predisposition; Hereditary Cancer Syndrome; Hereditary neoplastic syndrome. Identifiers: Orphanet 140162, MedGen C0027672, MeSH D009386, MONDO:0015356.
EGFR-related lung cancer (EGFR). Identifiers: MedGen CN130014.

Allele frequency attached by ClinVar (database versions not stated): gnomAD exomes 0.00001 and 0.00004; ExAC 0.00006; gnomAD 0.00006 and 0.00007; TOPMed 0.00006; 1000 Genomes Project 0.00020; ESP Exome Variant Server 0.00023; 1000 Genomes Project 30x 0.00031.
gnomAD v4.1: 28 of 1,614,200 alleles (0.0017%); highest among the groups gnomAD compares: African/African-American, 0.024%; no homozygotes.

Submissions (5):

Labcorp Genetics (formerly Invitae), Labcorp
Classification: Uncertain significance for EGFR-related lung cancer. Last evaluated: 2026-01-01. Review status: criteria provided, single submitter. Criteria: Invitae Variant Classification Sherloc (09022015). Collection method: clinical testing. Allele origin: germline.
Comment: This sequence change replaces tyrosine, which is neutral and polar, with cysteine, which is neutral and slightly polar, at codon 727 of the EGFR protein (p.Tyr727Cys). This variant is present in population databases (rs138240620, gnomAD 0.04%). This variant has not been reported in the literature in individuals affected with EGFR-related conditions. ClinVar contains an entry for this variant (Variation ID: 1026153). Invitae Evidence Modeling of protein sequence and biophysical properties (such as structural, functional, and spatial information, amino acid conservation, physicochemical variation, residue mobility, and thermodynamic stability) indicates that this missense variant is not expected to disrupt EGFR protein function with a negative predictive value of 80%. In summary, the available evidence is currently insufficient to determine the role of this variant in disease. Therefore, it has been classified as a Variant of Uncertain Significance.

Quest Diagnostics Nichols Institute San Juan Capistrano
Classification: Likely benign. Last evaluated: 2025-04-11. Review status: criteria provided, single submitter. Criteria: Quest Diagnostics criteria. Collection method: clinical testing. Allele origin: unknown.

Ambry Genetics
Classification: Likely benign for Hereditary cancer-predisposing syndrome. Last evaluated: 2024-10-28. Review status: criteria provided, single submitter. Criteria: Ambry Variant Classification Scheme 2023. Collection method: clinical testing. Allele origin: germline.

Fulgent Genetics
Classification: Uncertain significance for Lung cancer; Inflammatory skin and bowel disease, neonatal, 2. Last evaluated: 2024-05-06. Review status: criteria provided, single submitter. Criteria: ACMG Guidelines, 2015. Collection method: clinical testing. Allele origin: germline.

Sema4
Classification: Uncertain significance for Hereditary cancer-predisposing syndrome. Last evaluated: 2022-02-22. Review status: criteria provided, single submitter. Criteria: Sema4 Curation Guidelines. Collection method: curation. Allele origin: germline.
Comment: The EGFR c.2180A>G (p.Y727C) variant has not been reported in the literature to our knowledge in individuals with EGFR-related conditions. It was observed in 12/24966 chromosomes of the African/African American subpopulation, with no homozygotes, in the large and broad cohorts of the Genome Aggregation Database (PMID: 32461654). This variant has been reported in ClinVar (Variation ID 1026153). In silico tools suggest the impact of the variant on protein function is deleterious, though these predictions have not been confirmed by functional studies. The evidence is insufficient to meet ACMG/AMP criteria for classifying the variant as benign or pathogenic. Thus, the clinical significance of this variant is currently uncertain.

NM_005228.5(EGFR):c.2180A>G (p.Tyr727Cys)

Gene: EGFR (epidermal growth factor receptor; plus strand). Cytogenetic location: 7p11.2.
Variant type: single nucleotide variant.
Coding change: c.2180A>G on transcript NM_005228.5 (MANE Select); coding-DNA position 2180, A replaced by G.
Protein change: p.Tyr727Cys; replaces tyrosine 727 with cysteine.
Molecular consequence: missense variant.
Genome position (GRCh38, 1-based): chr7:55,174,039, A>G. VCF-style: chr7-55174039-A-G. GRCh37 (hg19) VCF-style: chr7-55241732-A-G.
Other names: c.2045A>G, p.Tyr682Cys (NM_001346897.2, NM_001346899.2); c.2180A>G, p.Tyr727Cys (NM_001346898.2); c.2021A>G, p.Tyr674Cys (NM_001346900.2); c.1379A>G, p.Tyr460Cys (NM_001346941.2); c.2180A>G (NM_005228.4); short protein forms Y460C, Y674C, Y682C, Y727C.
Identifiers: ClinVar variation 1026153 (VCV001026153.11), dbSNP rs138240620, ClinGen allele CA4265991.